The following is an entry in ClinVar:

NM_025137.4(SPG11):c.5669G>A (p.Cys1890Tyr)

Gene: SPG11 (SPG11 vesicle trafficking associated, spatacsin; minus strand). Cytogenetic location: 15q21.1.
Variant type: single nucleotide variant.
Coding change: c.5669G>A on transcript NM_025137.4 (MANE Select); coding-DNA position 5669, G replaced by A.
Protein change: p.Cys1890Tyr; replaces cysteine 1890 with tyrosine.
Molecular consequence: missense variant.
Genome position (GRCh38, 1-based): chr15:44,584,011, C>T on the plus strand (G>A on the coding strand, the complement: SPG11 is on the minus strand). VCF-style: chr15-44584011-C-T. GRCh37 (hg19) VCF-style: chr15-44876209-C-T.
Other names: c.5669G>A, p.Cys1890Tyr (NM_001160227.2); short protein forms C1890Y.
Identifiers: ClinVar variation 1372737 (VCV001372737.3), dbSNP rs770861439, ClinGen allele CA270079791.
Genomic context (GRCh38, chr15:44,584,011, plus strand): 5'-AAGGCGACATCTGGATTATAAAAATGAAAATACCGGCATACTCTACTTGCTTCATGCACA[C>T]AGCCATCATCCAGTAGGCGCCCAATCAAAAAGTTTAGTGACTCCTGCTCTTTCCAATCCA-3'
Protein context (NP_079413.3, residues 1880-1900): FLIGRLLDDG[Cys1890Tyr]VHEASRVCRY

ClinVar aggregate classification (germline): Uncertain significance (1 of 4 stars; one submission).

Conditions:
Hereditary spastic paraplegia 11. Also called: Spastic paraplegia, mental retardation and thin corpus callosum; Spastic Paraplegia 11; Nakamura Osame syndrome; Autosomal recessive hereditary spastic paraplegia, mental impairment, and thin corpus callosum; SPASTIC PARAPLEGIA, AUTOSOMAL RECESSIVE, COMPLICATED, WITH THIN CORPUS CALLOSUM; SPASTIC PARAPLEGIA, AUTOSOMAL RECESSIVE, WITH MENTAL IMPAIRMENT AND THIN CORPUS CALLOSUM. Identifiers: Orphanet 2822, MedGen C1858479, MONDO:0011445, OMIM 604360.

Allele frequency attached by ClinVar (database versions not stated): gnomAD exomes below 0.00001 and 0.00001; TOPMed below 0.00001.
gnomAD v4.1: 8 of 1,614,244 alleles (0.0005%); highest among the groups gnomAD compares: Non-Finnish European, 0.00051%; no homozygotes.

Submission:

Labcorp Genetics (formerly Invitae), Labcorp
Classification: Uncertain significance for Hereditary spastic paraplegia 11. Last evaluated: 2021-12-10. Review status: criteria provided, single submitter. Criteria: Invitae Variant Classification Sherloc (09022015). Collection method: clinical testing. Allele origin: germline.
Comment: This sequence change replaces cysteine, which is neutral and slightly polar, with tyrosine, which is neutral and polar, at codon 1890 of the SPG11 protein (p.Cys1890Tyr). This variant is present in population databases (rs770861439, gnomAD 0.0009%). This variant has not been reported in the literature in individuals affected with SPG11-related conditions. Algorithms developed to predict the effect of missense changes on protein structure and function are either unavailable or do not agree on the potential impact of this missense change (SIFT: "Tolerated"; PolyPhen-2: "Probably Damaging"; Align-GVGD: "Class C0"). In summary, the available evidence is currently insufficient to determine the role of this variant in disease. Therefore, it has been classified as a Variant of Uncertain Significance.